The following is an entry in ClinVar:

NM_052867.4(NALCN):c.4296CAT[1] (p.Ile1434del)

Gene: NALCN (sodium leak channel, non-selective; minus strand). Cytogenetic location: 13q32.3.
Variant type: Microsatellite.
Coding change: c.4296CAT[1] on transcript NM_052867.4 (MANE Select); one copy of the 3-base unit CAT starting at c.4296; the reference has two copies in a row; one copy, 3 bases deleted.
Protein change: p.Ile1434del; deletes isoleucine 1434.
Molecular consequence: inframe deletion.
Genome position (GRCh38, 1-based): chr13:101,068,724-101,068,726, ATG deleted on the plus strand (CAT on the coding strand, the reverse complement: NALCN is on the minus strand); deleting any 3 consecutive bases within chr13:101,068,724-101,068,730 gives the same sequence; the position shown is the placement nearest the transcript's 3' end. VCF-style (leftmost placement, unchanged base first): chr13-101068723-AATG-A. GRCh37 (hg19) VCF-style: chr13-101721075-AATG-A.
Other names: c.4383CAT[1], p.Ile1463del (NM_001350748.2); c.4296CAT[1], p.Ile1434del (NM_001350749.2); c.4209CAT[1], p.Ile1405del (NM_001350750.2, NM_001350751.2); short protein forms I1405del, I1434del, I1463del.
Identifiers: ClinVar variation 4278590 (VCV004278590.1).
Genomic context (GRCh38, chr13:101,068,723, plus strand): 5'-AGAGTAAAAAGTATTCAACTAACATCACTTACCTACAAGCAGATTTAGCATGATGTAGGC[AATG>A]ATGACATAAAATGAACAGAAATACATAAGTGCCCCAGCATAATTTCCACAGTCTGTTGCC-3'

ClinVar aggregate classification (germline): Pathogenic (1 of 4 stars; one submission).

Submission:

GeneDx
Classification: Pathogenic. Last evaluated: 2025-04-02. Review status: criteria provided, single submitter. Criteria: GeneDx Variant Classification Process June 2021. Collection method: clinical testing. Allele origin: germline. Affected: yes.
Comment: Not observed at significant frequency in large population cohorts (gnomAD); In-frame deletion of 1 amino acid in a non-repeat region; In silico analysis supports a deleterious effect on protein structure/function; This variant is associated with the following publications: (PMID: Cook2022[abstract])